The following is an entry in ClinVar:

NM_000038.6(APC):c.7305_7306insAT (p.Val2436fs)

Gene: APC (APC regulator of WNT signaling pathway; plus strand). Cytogenetic location: 5q22.2.
Variant type: Insertion.
Coding change: c.7305_7306insAT on transcript NM_000038.6 (MANE Select); coding-DNA positions 7305 to 7306, AT inserted.
Protein change: p.Val2436fs; shifts the reading frame from valine 2436.
Molecular consequence: frameshift variant. On other transcripts: non-coding transcript variant (2).
Genome position: GRCh38 VCF-style: chr5-112842898-C-CTA. GRCh37 (hg19) VCF-style: chr5-112178595-C-CTA.
Other names: c.7305_7306insAT, p.Val2436fs (NM_001127510.3, NM_001354895.2, NM_001407450.1); c.7251_7252insAT, p.Val2418fs (NM_001127511.3); c.7359_7360insAT, p.Val2454fs (NM_001354896.2, NM_001407447.1, NM_001407448.1 and 1 more transcripts); c.7335_7336insAT, p.Val2446fs (NM_001354897.2); c.7230_7231insAT, p.Val2411fs (NM_001354898.2); c.7221_7222insAT, p.Val2408fs (NM_001354899.2); c.7182_7183insAT, p.Val2395fs (NM_001354900.2); c.7128_7129insAT, p.Val2377fs (NM_001354901.2, NM_001407453.1); and 11 more; short protein forms V2052fs, V2153fs, V2276fs, V2307fs, V2310fs, V2335fs, V2345fs, V2353fs.
Identifiers: ClinVar variation 3070328 (VCV003070328.1), dbSNP rs2533783571, ClinGen allele CA2825001386.

ClinVar aggregate classification (germline): Pathogenic (1 of 4 stars; one submission).

Conditions:
Classic or attenuated familial adenomatous polyposis. Identifiers: MedGen CN372698, MONDO:0021057.

Submission:

All of Us Research Program, National Institutes of Health
Classification: Pathogenic for Classic or attenuated familial adenomatous polyposis. Last evaluated: 2023-04-10. Review status: criteria provided, single submitter. Criteria: ACMG Guidelines, 2015. Collection method: clinical testing. Allele origin: germline. Inheritance: Autosomal dominant inheritance. Observed: 1 variant allele, 1 heterozygote.
Comment: This variant inserts 2 nucleotides in exon 16 of the APC gene, creating a frameshift and premature translation stop signal. This variant is expected to result in an absent or non-functional protein product. To our knowledge, this variant has not been reported in individuals affected with APC-related disorders in the literature. This variant has not been identified in the general population by the Genome Aggregation Database (gnomAD). Loss of APC function is a known mechanism of disease. Based on the available evidence, this variant is classified as Pathogenic.

This study involves interpretation of variants in research participants for the purpose of population health screening. Participant phenotype was not available at the time of variant classification. Additional details can be found in publication PMID: 35346344, PMCID: PMC8962531